The following is an entry in ClinVar:

ClinVar aggregate classification (germline): Uncertain significance (1 of 4 stars; one submission).

Submission:

Labcorp Genetics (formerly Invitae), Labcorp
Classification: Uncertain significance. Last evaluated: 2022-03-27. Review status: criteria provided, single submitter. Criteria: Invitae Variant Classification Sherloc (09022015). Collection method: clinical testing. Allele origin: germline.
Comment: This sequence change falls in intron 3 of the PROSC gene. It does not directly change the encoded amino acid sequence of the PROSC protein. In summary, the available evidence is currently insufficient to determine the role of this variant in disease. Therefore, it has been classified as a Variant of Uncertain Significance. Experimental studies and prediction algorithms are not available or were not evaluated, and the effect of this variant on mRNA splicing is currently unknown. This variant has not been reported in the literature in individuals affected with PROSC-related conditions. Information on the frequency of this variant in the gnomAD database is not available, as this variant may be reported differently in the database.

NM_007198.4(PLPBP):c.244-20_244-19delinsAT

Gene: PLPBP (pyridoxal phosphate binding protein; plus strand). Cytogenetic location: 8p11.23.
Variant type: Indel.
Coding change: c.244-20_244-19delinsAT on transcript NM_007198.4 (MANE Select); 20 bases into the intron before coding-DNA position 244 through 19 bases into the intron before coding-DNA position 244, GG replaced by AT.
Molecular consequence: intron variant.
Genome position (GRCh38, 1-based): chr8:37,766,260-37,766,261, GG replaced by AT. VCF-style: chr8-37766260-GG-AT. GRCh37 (hg19) VCF-style: chr8-37623778-GG-AT.
Other names: c.238-20_238-19delinsAT (NM_001349347.2); c.88-20_88-19delinsAT (NM_001349348.2); c.349-20_349-19delinsAT (NM_001349349.1); c.244-20_244-19delinsAT (NM_001349346.2).
Identifiers: ClinVar variation 2118543 (VCV002118543.4), dbSNP rs2487371728, ClinGen allele CA2580078212.
Genomic context (GRCh38, chr8:37,766,260, plus strand): 5'-GACAGGGAGTGCACGAGGCGTTTGAGCCAGCAAGGCCTCTATAAAATCTGAATTACACAT[GG>AT]TTACCTTTTTCCCCTCAGATTCTGTCTTTGTGTCCTGAGATCAAATGGCACTTCATTGGC-3'